The following is an entry in ClinVar:

NC_000023.10:g.(?_128674417)_(128975921_?)dup

Genes: APLN (apelin; minus strand), OCRL (OCRL inositol polyphosphate-5-phosphatase; plus strand), SASH3 (SAM and SH3 domain containing 3; plus strand), XPNPEP2 (X-prolyl aminopeptidase 2; plus strand), ZDHHC9 (zDHHC palmitoyltransferase 9; minus strand). Cytogenetic location: Xq25-26.1.
Variant type: Duplication.
Identifiers: ClinVar variation 2422786 (VCV002422786.3).

ClinVar aggregate classification (germline): Uncertain significance (1 of 4 stars; one submission).

Conditions:
Lowe syndrome (OCRL). Also called: LOWE OCULOCEREBRORENAL SYNDROME; PHOSPHATIDYLINOSITOL 4,5-BISPHOSPHATE 5-PHOSPHATASE DEFICIENCY; Oculocerebrorenal Syndrome. Identifiers: Orphanet 534, MedGen C0028860, MONDO:0010645, OMIM 309000.

Submission:

Labcorp Genetics (formerly Invitae), Labcorp
Classification: Uncertain significance for Lowe syndrome. Last evaluated: 2022-08-16. Review status: criteria provided, single submitter. Criteria: Invitae Variant Classification Sherloc (09022015). Collection method: clinical testing. Allele origin: germline.
Comment: A copy number gain of the genomic region encompassing the full coding sequence of the OCRL gene has been identified. The boundaries of this event are unknown as they extend beyond the assayed region for this gene and therefore may encompass additional genes. As the precise location of this event is unknown, it may be in tandem or it may be located elsewhere in the genome. Isolated whole-gene copy number gains of OCRL have not been reported in the literature. However, larger copy number events that include this gene have been reported (PMID: 22965764). In summary, the available evidence is currently insufficient to determine the role of this variant in disease. Therefore, it has been classified as a Variant of Uncertain Significance.

Literature cited by the submitters: PubMed 22965764.